The following is an entry in ClinVar:

ClinVar aggregate classification (germline): Likely pathogenic (1 of 4 stars; one submission).

Submission:

GeneDx
Classification: Likely pathogenic. Last evaluated: 2017-03-13. Review status: criteria provided, single submitter. Criteria: GeneDx Variant Classification (06012015). Collection method: clinical testing. Allele origin: germline. Affected: yes.
Comment: The c.1790_1792delTCA variant in the CLPB gene has not been reported previously as a pathogenic variant nor as a benign variant, to our knowledge. The c.1790_1792delTCA variant causes an in frame deletion of one amino acid, Isoleucine 597, denoted p.Ile597del. This deletion occurs at a residue (Ile597) that is conserved across species. The c.1790_1792delTCA variant is not observed in large population cohorts (Lek et al., 2016; 1000 Genomes Consortium et al., 2015; Exome Variant Server). We interpret c.1790_1792delTCA as a likely pathogenic variant.

NM_001258392.3(CLPB):c.1700_1702del (p.Ile567del)

Gene: CLPB (caseinolytic mitochondrial matrix peptidase chaperone subunit B; minus strand). Cytogenetic location: 11q13.4.
Variant type: Deletion.
Coding change: c.1700_1702del on transcript NM_001258392.3 (MANE Select); coding-DNA positions 1700 to 1702, 3 bases deleted (TCA; older notation c.1700_1702delTCA).
Protein change: p.Ile567del; deletes isoleucine 567.
Molecular consequence: inframe deletion.
Genome position (GRCh38, 1-based): chr11:72,294,105-72,294,107, TGA deleted on the plus strand (TCA on the coding strand, the reverse complement: CLPB is on the minus strand); deleting any 3 consecutive bases within chr11:72,294,105-72,294,109 gives the same sequence; the c. name uses the placement nearest the transcript's 3' end. VCF-style (leftmost placement, unchanged base first): chr11-72294104-GTGA-G. GRCh37 (hg19) VCF-style: chr11-72005148-GTGA-G.
Other names: c.1613_1615del, p.Ile538del (NM_001258393.3); c.1655_1657del, p.Ile552del (NM_001258394.3); c.1790_1792del, p.Ile597del (NM_030813.6); short protein forms I597del, I538del, I552del, I567del.
Identifiers: ClinVar variation 424425 (VCV000424425.2), dbSNP rs1064796961, ClinGen allele CA16619402.
Genomic context (GRCh38, chr11:72,294,104, plus strand): 5'-CCATAGTGCACATTGTAGCCGTCGACCAGCACATCTGCCACCTCGCGGTCCCAGAGCAGC[GTGA>G]TGTTGTGCCTTTGCTTGGCCTGAGATGGGTCAGATAGAAGCATGCCTGCATGTGGCCCAC-3'